The following is an entry in ClinVar:

NM_004385.5(VCAN):c.6676C>T (p.Pro2226Ser)

Genes: VCAN (versican; plus strand), VCAN-AS1 (VCAN antisense RNA 1; minus strand). Cytogenetic location: 5q14.3.
Variant type: single nucleotide variant.
Coding change: c.6676C>T on transcript NM_004385.5 (MANE Select); coding-DNA position 6676, C replaced by T.
Protein change: p.Pro2226Ser; replaces proline 2226 with serine.
Molecular consequence: missense variant. On other transcripts: intron variant (2).
Genome position (GRCh38, 1-based): chr5:83,539,679, C>T. VCF-style: chr5-83539679-C-T. GRCh37 (hg19) VCF-style: chr5-82835498-C-T.
Other names: c.3715C>T, p.Pro1239Ser (NM_001164097.2); c.4004-5858C>T (NM_001164098.2); c.1043-5858C>T (NM_001126336.3); short protein forms P1239S, P2226S.
Identifiers: ClinVar variation 1009737 (VCV001009737.10), dbSNP rs1746885641, ClinGen allele CA360313090.
Genomic context (GRCh38, chr5:83,539,679, plus strand): 5'-TTCTTAGCTACTGCATTAGTAACTGAATCTATACCAGCTGAACATGTAGTCACAGATTCA[C>T]CAATCAAAAAGGAAGAAAGTACAAAACATTTTCCGAAAGGCATGAGACCAACAATTCAAG-3'
Protein context (NP_004376.2, residues 2216-2236): IPAEHVVTDS[Pro2226Ser]IKKEESTKHF

ClinVar aggregate classification (germline): Uncertain significance (1 of 4 stars; one submission).

Allele frequency attached by ClinVar (database versions not stated): gnomAD exomes below 0.00001.
gnomAD v4.1: 4 of 1,613,728 alleles (0.00025%); highest among the groups gnomAD compares: South Asian, 0.0033%; no homozygotes.

Submission:

Labcorp Genetics (formerly Invitae), Labcorp
Classification: Uncertain significance. Last evaluated: 2025-11-25. Review status: criteria provided, single submitter. Criteria: Invitae Variant Classification Sherloc (09022015). Collection method: clinical testing. Allele origin: germline.
Comment: This sequence change replaces proline, which is neutral and non-polar, with serine, which is neutral and polar, at codon 2226 of the VCAN protein (p.Pro2226Ser). This variant is not present in population databases (gnomAD no frequency). This variant has not been reported in the literature in individuals affected with VCAN-related conditions. ClinVar contains an entry for this variant (Variation ID: 1009737). An algorithm developed to predict the effect of missense changes on protein structure and function outputs the following: PolyPhen-2: "Benign". The serine amino acid residue is found in multiple mammalian species, which suggests that this missense change does not adversely affect protein function. In summary, the available evidence is currently insufficient to determine the role of this variant in disease. Therefore, it has been classified as a Variant of Uncertain Significance.